The following is an entry in ClinVar:

NM_001793.6(CDH3):c.1372C>T (p.Pro458Ser)

Gene: CDH3 (cadherin 3; plus strand). Cytogenetic location: 16q22.1.
Variant type: single nucleotide variant.
Coding change: c.1372C>T on transcript NM_001793.6 (MANE Select); coding-DNA position 1372, C replaced by T.
Protein change: p.Pro458Ser; replaces proline 458 with serine.
Molecular consequence: missense variant.
Genome position (GRCh38, 1-based): chr16:68,684,772, C>T. VCF-style: chr16-68684772-C-T. GRCh37 (hg19) VCF-style: chr16-68718675-C-T.
Other names: c.1372C>T, p.Pro458Ser (NM_001317195.3); c.1207C>T, p.Pro403Ser (NM_001317196.2); short protein forms P403S, P458S.
Identifiers: ClinVar variation 4699329 (VCV004699329.1).

ClinVar aggregate classification (germline): Uncertain significance (1 of 4 stars; one submission).

gnomAD v4.1: 7 of 1,614,140 alleles (0.00043%); highest among the groups gnomAD compares: Middle Eastern, 0.033%; no homozygotes.

Submission:

Labcorp Genetics (formerly Invitae), Labcorp
Classification: Uncertain significance. Last evaluated: 2025-12-15. Review status: criteria provided, single submitter. Criteria: Invitae Variant Classification Sherloc (09022015). Collection method: clinical testing. Allele origin: germline.
Comment: This sequence change replaces proline, which is neutral and non-polar, with serine, which is neutral and polar, at codon 458 of the CDH3 protein (p.Pro458Ser). This variant is not present in population databases (gnomAD no frequency). This variant has not been reported in the literature in individuals affected with CDH3-related conditions. Invitae Evidence Modeling of protein sequence and biophysical properties (such as structural, functional, and spatial information, amino acid conservation, physicochemical variation, residue mobility, and thermodynamic stability) indicates that this missense variant is not expected to disrupt CDH3 protein function with a negative predictive value of 80%. In summary, the available evidence is currently insufficient to determine the role of this variant in disease. Therefore, it has been classified as a Variant of Uncertain Significance.